The following is an entry in ClinVar:

NM_002887.4(RARS1):c.467T>A (p.Ile156Asn)

Gene: RARS1 (arginyl-tRNA synthetase 1; plus strand). Cytogenetic location: 5q34.
Variant type: single nucleotide variant.
Coding change: c.467T>A on transcript NM_002887.4 (MANE Select); coding-DNA position 467, T replaced by A.
Protein change: p.Ile156Asn; replaces isoleucine 156 with asparagine.
Molecular consequence: missense variant.
Genome position (GRCh38, 1-based): chr5:168,493,991, T>A. VCF-style: chr5-168493991-T-A. GRCh37 (hg19) VCF-style: chr5-167920996-T-A.
Other names: short protein forms I156N.
Identifiers: ClinVar variation 2091888 (VCV002091888.4), dbSNP rs2533364203, ClinGen allele CA362079026.
Genomic context (GRCh38, chr5:168,493,991, plus strand): 5'-AAATTGCTGAAAACATTACCAAACACCTCCCAGACAATGAATGTATTGAAAAAGTTGAAA[T>A]TGCTGGTCCTGGTATGACATAATGTTATCCTTCTTAATAGTTGTATTGAACATGAGTCCT-3'
Protein context (NP_002878.2, residues 146-166): PDNECIEKVE[Ile156Asn]AGPGFINVHL

ClinVar aggregate classification (germline): Uncertain significance (1 of 4 stars; one submission).

Submission:

Labcorp Genetics (formerly Invitae), Labcorp
Classification: Uncertain significance. Last evaluated: 2022-02-09. Review status: criteria provided, single submitter. Criteria: Invitae Variant Classification Sherloc (09022015). Collection method: clinical testing. Allele origin: germline.
Comment: Algorithms developed to predict the effect of missense changes on protein structure and function are either unavailable or do not agree on the potential impact of this missense change (SIFT: "Deleterious"; PolyPhen-2: "Probably Damaging"; Align-GVGD: "Class C15"). In summary, the available evidence is currently insufficient to determine the role of this variant in disease. Therefore, it has been classified as a Variant of Uncertain Significance. This sequence change replaces isoleucine, which is neutral and non-polar, with asparagine, which is neutral and polar, at codon 156 of the RARS protein (p.Ile156Asn). This variant is not present in population databases (gnomAD no frequency). This variant has not been reported in the literature in individuals affected with RARS-related conditions.